The following is an entry in ClinVar:

NM_002907.4(RECQL):c.1160T>A (p.Ile387Asn)

Gene: RECQL (RecQ like helicase; minus strand). Cytogenetic location: 12p12.1.
Variant type: single nucleotide variant.
Coding change: c.1160T>A on transcript NM_002907.4 (MANE Select); coding-DNA position 1160, T replaced by A.
Protein change: p.Ile387Asn; replaces isoleucine 387 with asparagine.
Molecular consequence: missense variant.
Genome position (GRCh38, 1-based): chr12:21,475,524, A>T on the plus strand (T>A on the coding strand, the complement: RECQL is on the minus strand). VCF-style: chr12-21475524-A-T. GRCh37 (hg19) VCF-style: chr12-21628458-A-T.
Other names: c.1160T>A, p.Ile387Asn (NM_032941.3); short protein forms I387N.
Identifiers: ClinVar variation 1420893 (VCV001420893.10), dbSNP rs1178901516, ClinGen allele CA384119723.

ClinVar aggregate classification (germline): Uncertain significance. Review status: criteria provided, multiple submitters, no conflicts (2 of 4 stars). 2 submissions from 2 submitters: Uncertain significance (2). Last evaluated 2024-03-10.

Allele frequency attached by ClinVar (database versions not stated): gnomAD exomes 0.00001.
gnomAD v4.1: 2 of 1,613,068 alleles (0.00012%); highest among the groups gnomAD compares: Admixed American, 0.0033%; no homozygotes.

Submissions (2):

Ambry Genetics
Classification: Uncertain significance. Last evaluated: 2024-03-10. Review status: criteria provided, single submitter. Criteria: Ambry Variant Classification Scheme 2023. Collection method: clinical testing. Allele origin: germline.
Comment: The p.I387N variant (also known as c.1160T>A), located in coding exon 9 of the RECQL gene, results from a T to A substitution at nucleotide position 1160. The isoleucine at codon 387 is replaced by asparagine, an amino acid with dissimilar properties. This amino acid position is conserved. In addition, this alteration is predicted to be deleterious by in silico analysis. Since supporting evidence is limited at this time, the clinical significance of this alteration remains unclear.

Labcorp Genetics (formerly Invitae), Labcorp
Classification: Uncertain significance. Last evaluated: 2021-02-19. Review status: criteria provided, single submitter. Criteria: Invitae Variant Classification Sherloc (09022015). Collection method: clinical testing. Allele origin: germline.
Comment: This sequence change replaces isoleucine with asparagine at codon 387 of the RECQL protein (p.Ile387Asn). The isoleucine residue is highly conserved and there is a large physicochemical difference between isoleucine and asparagine. This variant is not present in population databases (ExAC no frequency). This variant has not been reported in the literature in individuals with RECQL-related conditions. Algorithms developed to predict the effect of missense changes on protein structure and function (SIFT, PolyPhen-2, Align-GVGD) all suggest that this variant is likely to be disruptive, but these predictions have not been confirmed by published functional studies and their clinical significance is uncertain. In summary, the available evidence is currently insufficient to determine the role of this variant in disease. Therefore, it has been classified as a Variant of Uncertain Significance.